The following is an entry in ClinVar:

ClinVar aggregate classification (germline): Uncertain significance. Review status: criteria provided, multiple submitters, no conflicts (2 of 4 stars). 2 submissions from 2 submitters: Uncertain significance (2). Last evaluated 2025-12-22.

Conditions:
Inborn genetic diseases. Identifiers: MedGen C0950123, MeSH D030342.
Congenital sensory neuropathy with selective loss of small myelinated fibers (HSAN5). Also called: HSAN Type V. Identifiers: Orphanet 64752, MedGen C0020075, MONDO:0012092, OMIM 608654.

Allele frequency attached by ClinVar (database versions not stated): gnomAD 0.00001; gnomAD exomes 0.00002; TOPMed 0.00002.
gnomAD v4.1: 26 of 1,613,720 alleles (0.0016%); highest among the groups gnomAD compares: African/African-American, 0.0027%; no homozygotes.

Submissions (2):

Ambry Genetics
Classification: Uncertain significance for Inborn genetic diseases. Last evaluated: 2025-12-22. Review status: criteria provided, single submitter. Criteria: Ambry Variant Classification Scheme 2023. Collection method: clinical testing. Allele origin: germline.

Labcorp Genetics (formerly Invitae), Labcorp
Classification: Uncertain significance for Congenital sensory neuropathy with selective loss of small myelinated fibers. Last evaluated: 2021-09-14. Review status: criteria provided, single submitter. Criteria: Invitae Variant Classification Sherloc (09022015). Collection method: clinical testing. Allele origin: germline.
Comment: This sequence change replaces methionine with threonine at codon 213 of the NGF protein (p.Met213Thr). The methionine residue is moderately conserved and there is a moderate physicochemical difference between methionine and threonine. This variant is not present in population databases (ExAC no frequency). This variant has not been reported in the literature in individuals affected with NGF-related conditions. Algorithms developed to predict the effect of missense changes on protein structure and function output the following: SIFT: "Tolerated"; PolyPhen-2: "Benign"; Align-GVGD: "Class C0". The threonine amino acid residue is found in multiple mammalian species, which suggests that this missense change does not adversely affect protein function. In summary, the available evidence is currently insufficient to determine the role of this variant in disease. Therefore, it has been classified as a Variant of Uncertain Significance.

NM_002506.3(NGF):c.638T>C (p.Met213Thr)

Genes: NGF (nerve growth factor; minus strand), NGF-AS1 (NGF antisense RNA 1; plus strand). Cytogenetic location: 1p13.2.
Variant type: single nucleotide variant.
Coding change: c.638T>C on transcript NM_002506.3 (MANE Select); coding-DNA position 638, T replaced by C.
Protein change: p.Met213Thr; replaces methionine 213 with threonine.
Molecular consequence: missense variant.
Genome position (GRCh38, 1-based): chr1:115,286,158, A>G on the plus strand (T>C on the coding strand, the complement: NGF is on the minus strand). VCF-style: chr1-115286158-A-G. GRCh37 (hg19) VCF-style: chr1-115828779-A-G.
Other names: short protein forms M213T.
Identifiers: ClinVar variation 569781 (VCV000569781.5), dbSNP rs985498627, ClinGen allele CA29767129.